The following is an entry in ClinVar:

NM_001267550.2(TTN):c.105634G>C (p.Ala35212Pro)

Genes: TTN-AS1 (TTN antisense RNA 1; plus strand), TTN (titin; minus strand), LOC129935183 (ATAC-STARR-seq lymphoblastoid active region 16808; plus strand). Cytogenetic location: 2q31.2.
Variant type: single nucleotide variant.
Coding change: c.105634G>C on transcript NM_001267550.2 (MANE Select); coding-DNA position 105634, G replaced by C.
Protein change: p.Ala35212Pro; replaces alanine 35212 with proline.
Molecular consequence: missense variant.
Genome position (GRCh38, 1-based): chr2:178,530,981, C>G on the plus strand (G>C on the coding strand, the complement: TTN is on the minus strand). VCF-style: chr2-178530981-C-G. GRCh37 (hg19) VCF-style: chr2-179395708-C-G.
Other names: c.100711G>C, p.Ala33571Pro (NM_001256850.1); c.78439G>C, p.Ala26147Pro (NM_003319.4); c.97930G>C, p.Ala32644Pro (NM_133378.4); c.78814G>C, p.Ala26272Pro (NM_133432.3); c.79015G>C, p.Ala26339Pro (NM_133437.4); short protein forms A26147P, A26272P, A26339P, A35212P, A33571P, A32644P.
Identifiers: ClinVar variation 4788199 (VCV004788199.1).
Genomic context (GRCh38, chr2:178,530,981, plus strand): 5'-GTGGTGATGTCACAGCCTTTTCAGTTACCCTGGCCTTTTGAATAGTCAGAGTGAACTCTG[C>G]TTCTTGTTTCCCTTCACTGTTTTCTACCACCACGCTGTAATTGCCCTCATCGGAAGCCTG-3'
Protein context (NP_001254479.2, residues 35202-35222): VVENSEGKQE[Ala35212Pro]EFTLTIQKAR

ClinVar aggregate classification (germline): Uncertain significance (1 of 4 stars; one submission).

Conditions:
Autosomal recessive limb-girdle muscular dystrophy type 2J (LGMDR10). Also called: Limb-girdle muscular dystrophy, type 2J; MUSCULAR DYSTROPHY, LIMB-GIRDLE, AUTOSOMAL RECESSIVE 10. Identifiers: Orphanet 140922, MedGen C1837342, MONDO:0012127, OMIM 608807.
Dilated cardiomyopathy 1G (CMD1G). Identifiers: Orphanet 154, MedGen C1858763, MONDO:0011400, OMIM 604145.

Submission:

Labcorp Genetics (formerly Invitae), Labcorp
Classification: Uncertain significance for Dilated cardiomyopathy 1G; Autosomal recessive limb-girdle muscular dystrophy type 2J. Last evaluated: 2025-09-10. Review status: criteria provided, single submitter. Criteria: Invitae Variant Classification Sherloc (09022015). Collection method: clinical testing. Allele origin: germline.
Comment: This sequence change replaces alanine, which is neutral and non-polar, with proline, which is neutral and non-polar, at codon 35212 of the TTN protein (p.Ala35212Pro). This variant is not present in population databases (gnomAD no frequency). This missense change has been observed in individual(s) with dilated cardiomyopathy (internal data). Experimental studies and prediction algorithms are not available or were not evaluated, and the functional significance of this variant is currently unknown. This variant is located in the M band of TTN (PMID: 25589632). Non-truncating variants in this region may be relevant for neuromuscular disorders, but have not been definitively shown to cause cardiomyopathy (PMID: 23975875). In summary, the available evidence is currently insufficient to determine the role of this variant in disease. Therefore, it has been classified as a Variant of Uncertain Significance.

Literature cited by the submitters: PubMed 25589632; PubMed 23975875.